The following is an entry in ClinVar:

NM_004304.5(ALK):c.2758G>T (p.Gly920Cys)

Gene: ALK (ALK receptor tyrosine kinase; minus strand). Cytogenetic location: 2p23.2.
Variant type: single nucleotide variant.
Coding change: c.2758G>T on transcript NM_004304.5 (MANE Select); coding-DNA position 2758, G replaced by T.
Protein change: p.Gly920Cys; replaces glycine 920 with cysteine.
Molecular consequence: missense variant.
Genome position (GRCh38, 1-based): chr2:29,228,941, C>A on the plus strand (G>T on the coding strand, the complement: ALK is on the minus strand). VCF-style: chr2-29228941-C-A. GRCh37 (hg19) VCF-style: chr2-29451807-C-A.
Other names: short protein forms G920C.
Identifiers: ClinVar variation 3673433 (VCV003673433.2).

ClinVar aggregate classification (germline): Uncertain significance (1 of 4 stars; one submission).

Conditions:
Neuroblastoma, susceptibility to, 3. Also called: ALK-Related Neuroblastic Tumor Susceptibility. Identifiers: Orphanet 635, MedGen C2751681, MONDO:0013083, OMIM 613014.

Submission:

Labcorp Genetics (formerly Invitae), Labcorp
Classification: Uncertain significance for Neuroblastoma, susceptibility to, 3. Last evaluated: 2025-01-16. Review status: criteria provided, single submitter. Criteria: Invitae Variant Classification Sherloc (09022015). Collection method: clinical testing. Allele origin: germline.
Comment: This sequence change replaces glycine, which is neutral and non-polar, with cysteine, which is neutral and slightly polar, at codon 920 of the ALK protein (p.Gly920Cys). This variant is not present in population databases (gnomAD no frequency). This variant has not been reported in the literature in individuals affected with ALK-related conditions. An algorithm developed to predict the effect of missense changes on protein structure and function (PolyPhen-2) suggests that this variant is likely to be disruptive. In summary, the available evidence is currently insufficient to determine the role of this variant in disease. Therefore, it has been classified as a Variant of Uncertain Significance.